The following is an entry in ClinVar:

ClinVar aggregate classification (germline): Likely benign. Review status: criteria provided, single submitter (1 of 4 stars). 2 submissions from 2 submitters: Likely benign (1). 1 of the submissions does not count toward it. Last evaluated 2024-03-05.

Conditions:
OTOF-related disorder. Also called: OTOF-related condition.

Allele frequency attached by ClinVar (database versions not stated): ExAC 0.00003; TOPMed 0.00004; gnomAD 0.00006; ESP Exome Variant Server 0.00015.
gnomAD v4.1: 97 of 1,614,060 alleles (0.006%); highest among the groups gnomAD compares: Non-Finnish European, 0.0076%; no homozygotes.

Submissions (2):

Labcorp Genetics (formerly Invitae), Labcorp
Classification: Likely benign. Last evaluated: 2024-03-05. Review status: criteria provided, single submitter. Criteria: Invitae Variant Classification Sherloc (09022015). Collection method: clinical testing. Allele origin: germline.

PreventionGenetics, part of Exact Sciences
Classification: Likely benign for OTOF-related condition. Last evaluated: 2020-05-22. Review status: no assertion criteria provided. Collection method: clinical testing. Allele origin: germline. Not counted in ClinVar's aggregate classification.
Comment: This variant is classified as likely benign based on ACMG/AMP sequence variant interpretation guidelines (Richards et al. 2015 PMID: 25741868, with internal and published modifications).

NM_194248.3(OTOF):c.5673C>T (p.Pro1891=)

Gene: OTOF (otoferlin; minus strand). Cytogenetic location: 2p23.3.
Variant type: single nucleotide variant.
Coding change: c.5673C>T on transcript NM_194248.3 (MANE Select); coding-DNA position 5673, C replaced by T.
Protein change: p.Pro1891=; no amino-acid change (proline 1891 retained).
Molecular consequence: synonymous variant.
Genome position (GRCh38, 1-based): chr2:26,460,891, G>A on the plus strand (C>T on the coding strand, the complement: OTOF is on the minus strand). VCF-style: chr2-26460891-G-A. GRCh37 (hg19) VCF-style: chr2-26683759-G-A.
Other names: c.5673C>T, p.Pro1891= (NM_001287489.2); c.3372C>T, p.Pro1124= (NM_004802.4, NM_194323.3); c.3603C>T, p.Pro1201= (NM_194322.3); c.5673C>T (NM_194248.2).
Identifiers: ClinVar variation 2962559 (VCV002962559.5), dbSNP rs368716091, ClinGen allele CA1562753.
Genomic context (GRCh38, chr2:26,460,891, plus strand): 5'-CGAGCAGGAAGGGGTGCGCACCGTGAGCTCAAACTCATCGTTCTCATTGCGGGCCAGGAG[G>A]GGCCACCAGCCTTTGACGCGCTTTTGCTTGAAGATGGACACGAGGGGCACGTCCACCTCC-3'
Protein context (NP_919224.1, residues 1881-1901): FKQKRVKGWW[Pro1891=]LLARNENDEF